The following is an entry in ClinVar:

ClinVar aggregate classification (germline): Uncertain significance. Review status: criteria provided, multiple submitters, no conflicts (2 of 4 stars). 2 submissions from 2 submitters: Uncertain significance (2). Last evaluated 2025-10-23.

Conditions:
Hereditary cancer-predisposing syndrome. Also called: Hereditary Cancer Syndrome; Hereditary neoplastic syndrome; Neoplastic Syndromes, Hereditary; Tumor predisposition. Identifiers: Orphanet 140162, MedGen C0027672, MeSH D009386, MONDO:0015356.

Submissions (2):

Labcorp Genetics (formerly Invitae), Labcorp
Classification: Uncertain significance. Last evaluated: 2025-10-23. Review status: criteria provided, single submitter. Criteria: Invitae Variant Classification Sherloc (09022015). Collection method: clinical testing. Allele origin: germline.
Comment: This sequence change replaces arginine, which is basic and polar, with histidine, which is basic and polar, at codon 155 of the SMARCB1 protein (p.Arg155His). This variant is not present in population databases (gnomAD no frequency). This variant has not been reported in the literature in individuals affected with SMARCB1-related conditions. ClinVar contains an entry for this variant (Variation ID: 1742175). Invitae Evidence Modeling of protein sequence and biophysical properties (such as structural, functional, and spatial information, amino acid conservation, physicochemical variation, residue mobility, and thermodynamic stability) indicates that this missense variant is expected to disrupt SMARCB1 protein function with a positive predictive value of 80%. In summary, the available evidence is currently insufficient to determine the role of this variant in disease. Therefore, it has been classified as a Variant of Uncertain Significance.

Ambry Genetics
Classification: Uncertain significance for Hereditary cancer-predisposing syndrome. Last evaluated: 2024-07-25. Review status: criteria provided, single submitter. Criteria: Ambry Variant Classification Scheme 2023. Collection method: clinical testing. Allele origin: germline.
Comment: The p.R155H variant (also known as c.464G>A), located in coding exon 4 of the SMARCB1 gene, results from a G to A substitution at nucleotide position 464. The arginine at codon 155 is replaced by histidine, an amino acid with highly similar properties. This amino acid position is highly conserved in available vertebrate species. In addition, this alteration is predicted to be deleterious by in silico analysis. Based on the available evidence, the clinical significance of this variant remains unclear.

NM_003073.5(SMARCB1):c.464G>A (p.Arg155His)

Gene: SMARCB1 (SWI/SNF related BAF chromatin remodeling complex subunit B1; plus strand). Cytogenetic location: 22q11.23.
Variant type: single nucleotide variant.
Coding change: c.464G>A on transcript NM_003073.5 (MANE Select); coding-DNA position 464, G replaced by A.
Protein change: p.Arg155His; replaces arginine 155 with histidine.
Molecular consequence: missense variant.
Genome position (GRCh38, 1-based): chr22:23,801,045, G>A. VCF-style: chr22-23801045-G-A. GRCh37 (hg19) VCF-style: chr22-24143232-G-A.
Other names: c.437G>A, p.Arg146His (NM_001007468.3, NM_001317946.2); c.464G>A, p.Arg155His (NM_001362877.2); short protein forms R146H, R155H.
Identifiers: ClinVar variation 1742175 (VCV001742175.4), dbSNP rs2145978645, ClinGen allele CA410934513.